The following is an entry in ClinVar:

NC_000017.11:g.(?_31206230)_(31374165_?)del

Genes: EVI2A (ecotropic viral integration site 2A; minus strand), EVI2B (ecotropic viral integration site 2B; minus strand), NF1 (neurofibromin 1; plus strand), OMG (oligodendrocyte myelin glycoprotein; minus strand). Cytogenetic location: 17q11.2.
Variant type: Deletion.
Identifiers: ClinVar variation 833286 (VCV000833286.1).

ClinVar aggregate classification (germline): Pathogenic (1 of 4 stars; one submission).

Conditions:
Neurofibromatosis, type 1 (NF1). Also called: Peripheral type neurofibromatosis; Neurofibromatosis, type I; VON RECKLINGHAUSEN DISEASE; NEUROFIBROMATOSIS, TYPE I, SOMATIC. Identifiers: Orphanet 636, MedGen C0027831, MONDO:0018975, OMIM 162200. Disease mechanism: loss of function.

Submission:

Labcorp Genetics (formerly Invitae), Labcorp
Classification: Pathogenic for Neurofibromatosis, type 1. Last evaluated: 2019-03-22. Review status: criteria provided, single submitter. Criteria: Invitae Variant Classification Sherloc (09022015). Collection method: clinical testing. Allele origin: germline.
Comment: This variant is a gross deletion of the genomic region encompassing exons 12-57 of the NF1 gene. The 5' boundary is likely confined to intron 11. The 3' end of this event is unknown as it extends through the termination codon beyond the assayed region for this gene and may encompass additional genes. While this deletion is not anticipated to result in nonsense mediated decay, it is expected to create a truncated protein product or disrupt mRNA translation. This variant has not been reported in the literature in individuals with NF1-related conditions. This variant disrupts the C-terminus of the NF1 protein. Sub-genic deletion of exons 14-57 has been determined to be pathogenic (PMID: 25631097). Therefore, deletions that fully encompass that region are also expected to be pathogenic. For these reasons, this variant has been classified as Pathogenic.

Literature cited by the submitters: PubMed 25631097.